The following is an entry in ClinVar:

ClinVar aggregate classification (germline): Uncertain significance (1 of 4 stars; one submission).

gnomAD v4.1: 7 of 1,614,210 alleles (0.00043%); highest among the groups gnomAD compares: Non-Finnish European, 0.00059%; 1 homozygote.

Submission:

GeneDx
Classification: Uncertain significance. Last evaluated: 2025-05-21. Review status: criteria provided, single submitter. Criteria: GeneDx Variant Classification Process June 2021. Collection method: clinical testing. Allele origin: germline. Affected: yes.
Comment: Not observed at significant frequency in large population cohorts (gnomAD); In silico analysis supports that this missense variant has a deleterious effect on protein structure/function; Has not been previously published as pathogenic or benign to our knowledge

NM_006885.4(ZFHX3):c.3298A>G (p.Lys1100Glu)

Gene: ZFHX3 (zinc finger homeobox 3; minus strand). Cytogenetic location: 16q22.3.
Variant type: single nucleotide variant.
Coding change: c.3298A>G on transcript NM_006885.4 (MANE Select); coding-DNA position 3298, A replaced by G.
Protein change: p.Lys1100Glu; replaces lysine 1100 with glutamic acid.
Molecular consequence: missense variant.
Genome position (GRCh38, 1-based): chr16:72,889,881, T>C on the plus strand (A>G on the coding strand, the complement: ZFHX3 is on the minus strand). VCF-style: chr16-72889881-T-C. GRCh37 (hg19) VCF-style: chr16-72923780-T-C.
Other names: c.556A>G, p.Lys186Glu (NM_001164766.2); c.3298A>G, p.Lys1100Glu (NM_001386735.1); short protein forms K1100E, K186E.
Identifiers: ClinVar variation 4531102 (VCV004531102.1).